The following is an entry in ClinVar:

ClinVar aggregate classification (germline): Pathogenic. Review status: criteria provided, single submitter (1 of 4 stars). 2 submissions from 2 submitters: Pathogenic (1). 1 of the submissions does not count toward it. Last evaluated 2025-09-23.

Conditions:
AVPR2-related disorder. Also called: AVPR2-related condition.
Inborn genetic diseases. Identifiers: MedGen C0950123, MeSH D030342.

Submissions (2):

Ambry Genetics
Classification: Pathogenic for Inborn genetic diseases. Last evaluated: 2025-09-23. Review status: criteria provided, single submitter. Criteria: Ambry Variant Classification Scheme 2023. Collection method: clinical testing. Allele origin: germline.
Comment: The c.662delT (p.I221Tfs*50) alteration, located in exon 2 (coding exon 2) of the AVPR2 gene, consists of a deletion of one nucleotide at position 662, causing a translational frameshift with a predicted alternate stop codon after 50 amino acids. This alteration is expected to result in loss of function by premature protein truncation or nonsense-mediated mRNA decay. for nephrogenic diabetes insipidus; however, its clinical significance for nephrogenic syndrome of inappropriate antidiuresis is uncertain. This variant was not reported in population-based cohorts in the Genome Aggregation Database (gnomAD). Based on the available evidence, this alteration is classified as pathogenic.

PreventionGenetics, part of Exact Sciences
Classification: Pathogenic for AVPR2-related condition. Last evaluated: 2024-05-06. Review status: no assertion criteria provided. Collection method: clinical testing. Allele origin: germline. Not counted in ClinVar's aggregate classification.
Comment: The AVPR2 c.662delT variant is predicted to result in a frameshift and premature protein termination (p.Ile221Thrfs*50). To our knowledge, this variant has not been reported in the literature or in a large population database, indicating this variant is rare. Frameshift variants in AVPR2 are expected to be pathogenic. This variant is interpreted as pathogenic.

NM_000054.7(AVPR2):c.662del (p.Ile221fs)

Gene: AVPR2 (arginine vasopressin receptor 2; plus strand). Cytogenetic location: Xq28.
Variant type: Deletion.
Coding change: c.662del on transcript NM_000054.7 (MANE Select); coding-DNA position 662, one base deleted (T; older notation c.662delT).
Protein change: p.Ile221fs; shifts the reading frame from isoleucine 221.
Molecular consequence: frameshift variant. On other transcripts: non-coding transcript variant (1).
Genome position (GRCh38, 1-based): chrX:153,906,168, T deleted. VCF-style (leftmost placement, unchanged base first): chrX-153906167-AT-A. GRCh37 (hg19) VCF-style: chrX-153171621-AT-A.
Other names: c.662del, p.Ile221fs (NM_001146151.3); short protein forms I221fs.
Identifiers: ClinVar variation 3351624 (VCV003351624.2).